The following is an entry in ClinVar:

NM_001371279.1(REEP1):c.304-2A>C

Gene: REEP1 (receptor accessory protein 1; minus strand). Cytogenetic location: 2p11.2.
Variant type: single nucleotide variant.
Coding change: c.304-2A>C on transcript NM_001371279.1 (MANE Select); the canonical splice acceptor site of the intron before coding-DNA position 304, A replaced by C.
Molecular consequence: splice acceptor variant. On other transcripts: intron variant (1).
Genome position (GRCh38, 1-based): chr2:86,252,072, T>G on the plus strand (A>C on the coding strand, the complement: REEP1 is on the minus strand). VCF-style: chr2-86252072-T-G. GRCh37 (hg19) VCF-style: chr2-86479195-T-G.
Other names: c.325-2A>C (NM_001164730.2); c.223-2A>C (NM_001164731.2); c.182+11893A>C (NM_001164732.2); c.304-2A>C (NM_001371280.1, NM_022912.3, NM_001410855.1 and 1 more transcripts).
Identifiers: ClinVar variation 2571080 (VCV002571080.27), dbSNP rs387907242, ClinGen allele CA347716615.

ClinVar aggregate classification (germline): Pathogenic (1 of 4 stars; one submission).

Submission:

CeGaT Center for Human Genetics Tuebingen
Classification: Pathogenic. Last evaluated: 2023-04-01. Review status: criteria provided, single submitter. Criteria: CeGaT Center For Human Genetics Tuebingen Variant Classification Criteria Version 2. Collection method: clinical testing. Allele origin: germline. Affected: yes. Observed: 1 variant allele.
Comment: REEP1: PVS1:Strong, PM2, PM5, PP4, PS4:Supporting